The following is an entry in ClinVar:

ClinVar aggregate classification (germline): Pathogenic (1 of 4 stars; one submission).

Submission:

Labcorp Genetics (formerly Invitae), Labcorp
Classification: Pathogenic. Last evaluated: 2022-03-13. Review status: criteria provided, single submitter. Criteria: Invitae Variant Classification Sherloc (09022015). Collection method: clinical testing. Allele origin: germline.
Comment: Algorithms developed to predict the effect of sequence changes on RNA splicing suggest that this variant may disrupt the consensus splice site. For these reasons, this variant has been classified as Pathogenic. This variant disrupts a region of the PHEX protein in which other variant(s) (p.Arg747*) have been determined to be pathogenic (PMID: 9199930, 9768674). This suggests that this is a clinically significant region of the protein, and that variants that disrupt it are likely to be disease-causing. This premature translational stop signal has been observed in individual(s) with hypophosphatemic rickets (PMID: 30682568). This variant is not present in population databases (gnomAD no frequency). This sequence change creates a premature translational stop signal (p.Gln704*) in the PHEX gene. While this is not anticipated to result in nonsense mediated decay, it is expected to disrupt the last 46 amino acid(s) of the PHEX protein.

Literature cited by the submitters: PubMed 9199930; PubMed 9768674; PubMed 30682568.

NM_000444.6(PHEX):c.2110C>T (p.Gln704Ter)

Genes: PHEX (phosphate regulating endopeptidase X-linked; plus strand), PTCHD1-AS (PTCHD1 and PHEX antisense RNA; minus strand). Cytogenetic location: Xp22.11.
Variant type: single nucleotide variant.
Coding change: c.2110C>T on transcript NM_000444.6 (MANE Select); coding-DNA position 2110, C replaced by T.
Protein change: p.Gln704Ter; replaces glutamine 704 with a stop codon.
Molecular consequence: nonsense. On other transcripts: intron variant (1).
Genome position (GRCh38, 1-based): chrX:22,245,372, C>T. VCF-style: chrX-22245372-C-T. GRCh37 (hg19) VCF-style: chrX-22263489-C-T.
Other names: c.2071-2479C>T (NM_001282754.2); short protein forms Q704*.
Identifiers: ClinVar variation 2169636 (VCV002169636.4), dbSNP rs2518709273, ClinGen allele CA412575247.